The following is an entry in ClinVar:

ClinVar aggregate classification (germline): Conflicting classifications of pathogenicity. Review status: criteria provided, conflicting classifications (1 of 4 stars). 5 submissions from 5 submitters: Uncertain significance (4); Likely benign (1). Last evaluated 2026-03-19.

Conditions:
Hereditary cancer-predisposing syndrome. Also called: Hereditary Cancer Syndrome; Tumor predisposition; Hereditary neoplastic syndrome; Neoplastic Syndromes, Hereditary. Identifiers: Orphanet 140162, MedGen C0027672, MeSH D009386, MONDO:0015356.
Gorlin syndrome. Also called: Basal cell nevus syndrome; Nevoid Basal Cell Carcinoma Syndrome. Identifiers: Orphanet 377, MedGen C0004779, MONDO:0007187.
Medulloblastoma (MDB). Also called: MEDULLOBLASTOMA PREDISPOSITION SYNDROME; Medulloblastoma, somatic. Identifiers: Orphanet 616, MedGen C0025149, MeSH D008527, MONDO:0007959, OMIM 155255, HP:0002885.
Familial meningioma. Also called: Meningioma, familial, susceptibility to. Identifiers: Orphanet 263662, MedGen C3551915, MONDO:0011789, OMIM 607174.

Allele frequency attached by ClinVar (database versions not stated): gnomAD 0.00001 and 0.00002; ExAC 0.00001; gnomAD exomes below 0.00001 and 0.00002; TOPMed 0.00002.
gnomAD v4.1: 24 of 1,613,930 alleles (0.0015%); highest among the groups gnomAD compares: Non-Finnish European, 0.0019%; no homozygotes.

Submissions (5):

Ambry Genetics
Classification: Likely benign for Hereditary cancer-predisposing syndrome. Last evaluated: 2026-03-19. Review status: criteria provided, single submitter. Criteria: Ambry Variant Classification Scheme 2023. Collection method: clinical testing. Allele origin: germline.

Labcorp Genetics (formerly Invitae), Labcorp
Classification: Uncertain significance for Gorlin syndrome; Medulloblastoma. Last evaluated: 2025-11-16. Review status: criteria provided, single submitter. Criteria: Invitae Variant Classification Sherloc (09022015). Collection method: clinical testing. Allele origin: germline.
Comment: This sequence change replaces arginine, which is basic and polar, with glutamine, which is neutral and polar, at codon 309 of the SUFU protein (p.Arg309Gln). This variant is present in population databases (rs770246373, gnomAD 0.002%). This variant has not been reported in the literature in individuals affected with SUFU-related conditions. ClinVar contains an entry for this variant (Variation ID: 406386). Invitae Evidence Modeling of protein sequence and biophysical properties (such as structural, functional, and spatial information, amino acid conservation, physicochemical variation, residue mobility, and thermodynamic stability) indicates that this missense variant is not expected to disrupt SUFU protein function with a negative predictive value of 80%. In summary, the available evidence is currently insufficient to determine the role of this variant in disease. Therefore, it has been classified as a Variant of Uncertain Significance.

GeneDx
Classification: Uncertain significance. Last evaluated: 2023-08-23. Review status: criteria provided, single submitter. Criteria: GeneDx Variant Classification Process June 2021. Collection method: clinical testing. Allele origin: germline. Affected: yes.
Comment: Not observed at significant frequency in large population cohorts (gnomAD); In silico analysis supports that this missense variant does not alter protein structure/function; Has not been previously published as pathogenic or benign to our knowledge

Baylor Genetics
Classification: Uncertain significance for Familial meningioma. Last evaluated: 2023-05-11. Review status: criteria provided, single submitter. Criteria: ACMG Guidelines, 2015. Collection method: clinical testing. Allele origin: unknown.

Quest Diagnostics Nichols Institute San Juan Capistrano
Classification: Uncertain significance. Last evaluated: 2021-08-03. Review status: criteria provided, single submitter. Criteria: Quest Diagnostics criteria. Collection method: clinical testing. Allele origin: unknown.

NM_016169.4(SUFU):c.926G>A (p.Arg309Gln)

Gene: SUFU (SUFU negative regulator of hedgehog signaling; plus strand). Cytogenetic location: 10q24.32.
Variant type: single nucleotide variant.
Coding change: c.926G>A on transcript NM_016169.4 (MANE Select); coding-DNA position 926, G replaced by A.
Protein change: p.Arg309Gln; replaces arginine 309 with glutamine.
Molecular consequence: missense variant.
Genome position (GRCh38, 1-based): chr10:102,599,448, G>A. VCF-style: chr10-102599448-G-A. GRCh37 (hg19) VCF-style: chr10-104359205-G-A.
Other names: c.926G>A, p.Arg309Gln (NM_001178133.2); short protein forms R309Q.
Identifiers: ClinVar variation 406386 (VCV000406386.21), dbSNP rs770246373, ClinGen allele CA5667818.
Genomic context (GRCh38, chr10:102,599,448, plus strand): 5'-TGGGAGCCCACTGGGCCACTGGGCAACTTAGTGGTGTCGTTGCAGACACAGAGCAGATCC[G>A]GGAGACCCTGAGGAGAGGACTCGAGATCAACAGCAAACCTGTCCTTCCACCAATCAACCC-3'
Protein context (NP_057253.2, residues 299-319): RLSGKDTEQI[Arg309Gln]ETLRRGLEIN